The following is an entry in ClinVar:

NM_001005361.3(DNM2):c.79T>G (p.Cys27Gly)

Genes: DNM2 (dynamin 2; plus strand), LOC130063529 (ATAC-STARR-seq lymphoblastoid silent region 10090; plus strand). Cytogenetic location: 19p13.2.
Variant type: single nucleotide variant.
Coding change: c.79T>G on transcript NM_001005361.3 (MANE Select); coding-DNA position 79, T replaced by G.
Protein change: p.Cys27Gly; replaces cysteine 27 with glycine.
Molecular consequence: missense variant.
Genome position (GRCh38, 1-based): chr19:10,718,321, T>G. VCF-style: chr19-10718321-T-G. GRCh37 (hg19) VCF-style: chr19-10828997-T-G.
Other names: c.79T>G, p.Cys27Gly (NM_001005360.3, NM_001005362.3, NM_001190716.2 and 1 more transcripts); short protein forms C27G.
Identifiers: ClinVar variation 1470425 (VCV001470425.8), dbSNP rs2068820028, ClinGen allele CA404046618.
Genomic context (GRCh38, chr19:10,718,321, plus strand): 5'-GAAGAGCTGATCCCGCTGGTCAACAAACTGCAGGACGCCTTCAGCTCCATCGGCCAGAGC[T>G]GCCACCTGGACCTGCCGCAGATCGCTGTAGTGGGCGGCCAGAGCGCCGGCAAGAGCTCGG-3'
Protein context (NP_001005361.1, residues 17-37): QDAFSSIGQS[Cys27Gly]HLDLPQIAVV

ClinVar aggregate classification (germline): Uncertain significance (1 of 4 stars; one submission).

Conditions:
Charcot-Marie-Tooth disease dominant intermediate B (CMTDIB). Also called: Charcot-Marie-Tooth disease dominant intermediate 1; CMT DI1; Charcot-Marie-Tooth disease dominant intermediate I; CHARCOT-MARIE-TOOTH NEUROPATHY, DOMINANT INTERMEDIATE B. Identifiers: Orphanet 100044, Orphanet 228179, MedGen C1847902, MONDO:0011674, OMIM 606482.

Submission:

Labcorp Genetics (formerly Invitae), Labcorp
Classification: Uncertain significance for Charcot-Marie-Tooth disease dominant intermediate B. Last evaluated: 2021-03-07. Review status: criteria provided, single submitter. Criteria: Invitae Variant Classification Sherloc (09022015). Collection method: clinical testing. Allele origin: germline.
Comment: In summary, the available evidence is currently insufficient to determine the role of this variant in disease. Therefore, it has been classified as a Variant of Uncertain Significance. Algorithms developed to predict the effect of missense changes on protein structure and function (SIFT, PolyPhen-2, Align-GVGD) all suggest that this variant is likely to be tolerated, but these predictions have not been confirmed by published functional studies and their clinical significance is uncertain. This variant has not been reported in the literature in individuals with DNM2-related conditions. This variant is not present in population databases (ExAC no frequency). This sequence change replaces cysteine with glycine at codon 27 of the DNM2 protein (p.Cys27Gly). The cysteine residue is moderately conserved and there is a large physicochemical difference between cysteine and glycine.